The following is an entry in ClinVar:

ClinVar aggregate classification (germline): Likely pathogenic (1 of 4 stars; one submission).

Conditions:
Hereditary spastic paraplegia 15 (SPG15). Also called: SPASTIC PARAPLEGIA 15, AUTOSOMAL RECESSIVE; KJELLIN SYNDROME; SPASTIC PARAPLEGIA AND RETINAL DEGENERATION. Identifiers: Orphanet 100996, MedGen C1849128, MONDO:0010044, OMIM 270700.

Submission:

Myriad Genetics, Inc.
Classification: Likely pathogenic for Hereditary spastic paraplegia 15. Last evaluated: 2022-02-12. Review status: criteria provided, single submitter. Criteria: Myriad Women's Health Autosomal Recessive and X-Linked Classification Criteria (2021). Collection method: clinical testing. Allele origin: unknown.
Comment: NM_015346.3(ZFYVE26):c.2833G>T(E945*) is expected to be pathogenic in the context of spastic paraplegia type 15. This variant is predicted to lead to an abnormal or absent protein product due to the creation of a premature termination codon in ZFYVE26, a gene where loss-of-function variants are known to be pathogenic. Please note: this variant was assessed in the context of healthy population screening.

NM_015346.4(ZFYVE26):c.2833G>T (p.Glu945Ter)

Gene: ZFYVE26 (zinc finger FYVE-type containing 26; minus strand). Cytogenetic location: 14q24.1.
Variant type: single nucleotide variant.
Coding change: c.2833G>T on transcript NM_015346.4 (MANE Select); coding-DNA position 2833, G replaced by T.
Protein change: p.Glu945Ter; replaces glutamic acid 945 with a stop codon.
Molecular consequence: nonsense.
Genome position (GRCh38, 1-based): chr14:67,789,521, C>A on the plus strand (G>T on the coding strand, the complement: ZFYVE26 is on the minus strand). VCF-style: chr14-67789521-C-A. GRCh37 (hg19) VCF-style: chr14-68256238-C-A.
Other names: short protein forms E945*.
Identifiers: ClinVar variation 1724375 (VCV001724375.2), dbSNP rs2502828771, ClinGen allele CA390173574.